The following is an entry in ClinVar:

NM_004260.4(RECQL4):c.2780T>G (p.Leu927Arg)

Gene: RECQL4 (RecQ like helicase 4; minus strand). Cytogenetic location: 8q24.3.
Variant type: single nucleotide variant.
Coding change: c.2780T>G on transcript NM_004260.4 (MANE Select); coding-DNA position 2780, T replaced by G.
Protein change: p.Leu927Arg; replaces leucine 927 with arginine.
Molecular consequence: missense variant.
Genome position (GRCh38, 1-based): chr8:144,512,747, A>C on the plus strand (T>G on the coding strand, the complement: RECQL4 is on the minus strand). VCF-style: chr8-144512747-A-C. GRCh37 (hg19) VCF-style: chr8-145738130-A-C.
Other names: short protein forms L927R.
Identifiers: ClinVar variation 863644 (VCV000863644.9), dbSNP rs774274636, ClinGen allele CA4948074.

ClinVar aggregate classification (germline): Conflicting classifications of pathogenicity. Review status: criteria provided, conflicting classifications (1 of 4 stars). 2 submissions from 2 submitters: Likely pathogenic (1); Uncertain significance (1). Last evaluated 2024-08-13.

Conditions:
Rothmund-Thomson syndrome type 2 (RTS2). Identifiers: Orphanet 221016, MedGen C5203410, MONDO:0016369, OMIM 268400.
Baller-Gerold syndrome (BGS). Also called: CRANIOSYNOSTOSIS WITH RADIAL DEFECTS. Identifiers: Orphanet 1225, MedGen C0265308, MONDO:0009039, OMIM 218600.

Allele frequency attached by ClinVar (database versions not stated): TOPMed 0.00002.
gnomAD v4.1: 5 of 1,612,120 alleles (0.00031%); highest among the groups gnomAD compares: Non-Finnish European, 0.00042%; no homozygotes.

Submissions (2):

Labcorp Genetics (formerly Invitae), Labcorp
Classification: Uncertain significance for Baller-Gerold syndrome. Last evaluated: 2024-08-13. Review status: criteria provided, single submitter. Criteria: Invitae Variant Classification Sherloc (09022015). Collection method: clinical testing. Allele origin: germline.
Comment: This sequence change replaces leucine, which is neutral and non-polar, with arginine, which is basic and polar, at codon 927 of the RECQL4 protein (p.Leu927Arg). This variant is present in population databases (rs774274636, gnomAD 0.003%). This missense change has been observed in individual(s) with clinical features of Rothmund-Thomson syndrome (PMID: 18616953, 34308366). This variant is also known as g.T5007G, p.L926R. ClinVar contains an entry for this variant (Variation ID: 863644). Advanced modeling of protein sequence and biophysical properties (such as structural, functional, and spatial information, amino acid conservation, physicochemical variation, residue mobility, and thermodynamic stability) performed at Invitae indicates that this missense variant is expected to disrupt RECQL4 protein function with a positive predictive value of 80%. In summary, the available evidence is currently insufficient to determine the role of this variant in disease. Therefore, it has been classified as a Variant of Uncertain Significance.

Department of Pediatrics, Memorial Sloan Kettering Cancer Center
Classification: Likely pathogenic for Rothmund-Thomson syndrome type 2. Last evaluated: 2020-12-15. Review status: criteria provided, single submitter. Criteria: ACMG Guidelines, 2015. Collection method: research. Allele origin: germline. Affected: no.

Literature cited by the submitters: PubMed 18616953 (cited by Labcorp Genetics (formerly Invitae), Labcorp); PubMed 34308366 (cited by Labcorp Genetics (formerly Invitae), Labcorp); PubMed 28873162 (cited by Department of Pediatrics, Memorial Sloan Kettering Cancer Center).